The following is an entry in ClinVar:

ClinVar aggregate classification (germline): Benign/Likely benign. Review status: criteria provided, multiple submitters, no conflicts (2 of 4 stars). 2 submissions from 2 submitters: Benign (1); Likely benign (1). Last evaluated 2026-06-29.

Conditions:
Sessile serrated polyposis cancer syndrome (SSPCS). Identifiers: Orphanet 157798, MedGen C4310714, MONDO:0014919, OMIM 617108.

gnomAD v4.1: 35 of 1,610,290 alleles (0.0022%); highest among the groups gnomAD compares: South Asian, 0.0033%; no homozygotes.

Submissions (2):

Myriad Genetics, Inc.
Classification: Benign for Sessile serrated polyposis cancer syndrome. Last evaluated: 2026-06-29. Review status: criteria provided, single submitter. Criteria: Myriad Autosomal Dominant, Autosomal Recessive and X-Linked Classification Criteria (2023). Collection method: clinical testing. Allele origin: unknown.
Comment: This variant is considered benign. This variant is a silent/synonymous amino acid change and it is not expected to impact splicing.

Ambry Genetics
Classification: Likely benign. Last evaluated: 2025-06-20. Review status: criteria provided, single submitter. Criteria: Ambry Variant Classification Scheme 2023. Collection method: clinical testing. Allele origin: germline.

NM_017763.6(RNF43):c.33C>T (p.Ala11=)

Gene: RNF43 (ring finger protein 43; minus strand). Cytogenetic location: 17q22.
Variant type: single nucleotide variant.
Coding change: c.33C>T on transcript NM_017763.6 (MANE Select); coding-DNA position 33, C replaced by T.
Protein change: p.Ala11=; no amino-acid change (alanine 11 retained).
Molecular consequence: synonymous variant. On other transcripts: intron variant (1).
Genome position (GRCh38, 1-based): chr17:58,415,545, G>A on the plus strand (C>T on the coding strand, the complement: RNF43 is on the minus strand). VCF-style: chr17-58415545-G-A. GRCh37 (hg19) VCF-style: chr17-56492906-G-A.
Other names: c.33C>T, p.Ala11= (NM_001305544.3, NM_001438820.1, NM_001438821.1 and 1 more transcripts); c.-130+1472C>T (NM_001437987.1).
Identifiers: ClinVar variation 4155725 (VCV004155725.2).
Genomic context (GRCh38, chr17:58,415,545, plus strand): 5'-TACCAGTCCTGTGCGTCCAAAGCCTGCCTGCAGGGTAGCCATCAGCAGCCAGGGCCAGAG[G>A]GCAGCCAGCTGCAGCTGGTGGCCACCACTCATGCTACCAGCTGCAGCAATGCACTTCAAC-3'
Protein context (NP_060233.3, residues 1-21): MSGGHQLQLA[Ala11=]LWPWLLMATL